The following is an entry in ClinVar:

NM_001197104.2(KMT2A):c.9004A>G (p.Met3002Val)

Gene: KMT2A (lysine methyltransferase 2A; plus strand). Cytogenetic location: 11q23.3.
Variant type: single nucleotide variant.
Coding change: c.9004A>G on transcript NM_001197104.2 (MANE Select); coding-DNA position 9004, A replaced by G.
Protein change: p.Met3002Val; replaces methionine 3002 with valine.
Molecular consequence: missense variant.
Genome position (GRCh38, 1-based): chr11:118,504,896, A>G. VCF-style: chr11-118504896-A-G. GRCh37 (hg19) VCF-style: chr11-118375611-A-G.
Other names: c.9094A>G, p.Met3032Val (NM_001412597.1); c.8995A>G, p.Met2999Val (NM_005933.4); short protein forms M2999V, M3002V, M3032V.
Identifiers: ClinVar variation 4882575 (VCV004882575.2).

ClinVar aggregate classification (germline): Uncertain significance (1 of 4 stars; one submission).

gnomAD v4.1: 2 of 1,614,164 alleles (0.00012%); highest among the groups gnomAD compares: Non-Finnish European, 0.000085%; no homozygotes.

Submission:

Dasa
Classification: Uncertain significance. Last evaluated: 2025-01-25. Review status: criteria provided, single submitter. Criteria: DASA Assertion Criteria. Collection method: clinical testing. Allele origin: germline.
Comment: NM_001197104.2(KMT2A):c.9004A>G (p.Met3002Val) is a missense variant that results in the substitution of methionine with valine. This variant is rare in population databases. Computational prediction algorithms are consistent with a benign effect. The currently available literature and clinical evidence are not sufficient to establish a definitive association between this variant and the reported condition. Therefore, this variant is classified as a variant of uncertain significance.